The following is an entry in ClinVar:

NM_006073.4(TRDN):c.1753C>T (p.Arg585Ter)

Gene: TRDN (triadin; minus strand). Cytogenetic location: 6q22.31.
Variant type: single nucleotide variant.
Coding change: c.1753C>T on transcript NM_006073.4 (MANE Select); coding-DNA position 1753, C replaced by T.
Protein change: p.Arg585Ter; replaces arginine 585 with a stop codon.
Molecular consequence: nonsense.
Genome position (GRCh38, 1-based): chr6:123,267,737, G>A on the plus strand (C>T on the coding strand, the complement: TRDN is on the minus strand). VCF-style: chr6-123267737-G-A. GRCh37 (hg19) VCF-style: chr6-123588882-G-A.
Other names: short protein forms R585*.
Identifiers: ClinVar variation 1517851 (VCV001517851.4), dbSNP rs754229275, ClinGen allele CA3983770.

ClinVar aggregate classification (germline): Uncertain significance (1 of 4 stars; one submission).

Conditions:
Catecholaminergic polymorphic ventricular tachycardia 1. Also called: RYR2-Related Catecholaminergic Polymorphic Ventricular Tachycardia; VENTRICULAR TACHYCARDIA, STRESS-INDUCED POLYMORPHIC 1; VENTRICULAR TACHYCARDIA, CATECHOLAMINERGIC POLYMORPHIC, 1, WITH OR WITHOUT ATRIAL DYSFUNCTION AND/OR DILATED CARDIOMYOPATHY. Identifiers: Orphanet 3286, MedGen C1631597, MONDO:0011484, OMIM 604772.

Allele frequency attached by ClinVar (database versions not stated): TOPMed below 0.00001; ExAC 0.00004.
gnomAD v4.1: 15 of 1,575,498 alleles (0.00095%); highest among the groups gnomAD compares: Middle Eastern, 0.017%; no homozygotes.

Submission:

Labcorp Genetics (formerly Invitae), Labcorp
Classification: Uncertain significance for Catecholaminergic polymorphic ventricular tachycardia 1. Last evaluated: 2021-08-12. Review status: criteria provided, single submitter. Criteria: Invitae Variant Classification Sherloc (09022015). Collection method: clinical testing. Allele origin: germline.
Comment: This sequence change creates a premature translational stop signal (p.Arg585*) in the TRDN gene. It is expected to result in an absent or disrupted protein product. However, the current clinical and genetic evidence is not sufficient to establish whether loss-of-function variants in TRDN cause disease. The frequency data for this variant in the population databases is considered unreliable, as metrics indicate poor data quality at this position in the ExAC database. This variant has not been reported in the literature in individuals affected with TRDN-related conditions. In summary, the available evidence is currently insufficient to determine the role of this variant in disease. Therefore, it has been classified as a Variant of Uncertain Significance.